The following is an entry in ClinVar:

ClinVar aggregate classification (germline): Pathogenic/Likely pathogenic. Review status: criteria provided, multiple submitters, no conflicts (2 of 4 stars). 3 submissions from 3 submitters: Pathogenic (1); Likely pathogenic (1). 1 of the submissions does not count toward it. Last evaluated 2026-02-03.

Submissions (3):

GeneDx
Classification: Likely pathogenic. Last evaluated: 2026-02-03. Review status: criteria provided, single submitter. Criteria: GeneDx Variant Classification Process June 2021. Collection method: clinical testing. Allele origin: germline.
Comment: Observed in a patient with VWF type 2B in published literature (PMID: 9858249); Published functional studies demonstrate a damaging effect as the variant leads to increased affinity for GPIb binding compared to wildtype (PMID: 9858249); Not observed at significant frequency in large population cohorts (gnomAD); In silico analysis supports that this missense variant has a deleterious effect on protein structure/function; This variant is associated with the following publications: (PMID: 18805962, 22102189, 12551832, 19506361, 11686104, 17922807, 16977566, 19453940, 23621544, 9858249)

Laboratory of Genetics, Children's Clinical University Hospital Latvia
Classification: Pathogenic. Last evaluated: 2025-02-16. Review status: criteria provided, single submitter. Criteria: ACMG Guidelines, 2015. Collection method: clinical testing. Allele origin: germline. Affected: yes.

Academic Unit of Haematology, University of Sheffield
No classification provided. Review status: no classification provided. Collection method: not provided. Allele origin: not provided. Not counted in ClinVar's aggregate classification.

NM_000552.5(VWF):c.4022G>T (p.Arg1341Leu)

Gene: VWF (von Willebrand factor; minus strand). Cytogenetic location: 12p13.31.
Variant type: single nucleotide variant.
Coding change: c.4022G>T on transcript NM_000552.5 (MANE Select); coding-DNA position 4022, G replaced by T.
Protein change: p.Arg1341Leu; replaces arginine 1341 with leucine.
Molecular consequence: missense variant.
Genome position (GRCh38, 1-based): chr12:6,019,396, C>A on the plus strand (G>T on the coding strand, the complement: VWF is on the minus strand). VCF-style: chr12-6019396-C-A. GRCh37 (hg19) VCF-style: chr12-6128562-C-A.
Other names: c.4022G>T (NM_000552.3); short protein forms R1341L.
Identifiers: ClinVar variation 100318 (VCV000100318.3), dbSNP rs61749403, ClinGen allele CA228518.